The following is an entry in ClinVar:

NM_033310.3(KCNK4):c.1166A>G (p.Lys389Arg)

Genes: KCNK4 (potassium two pore domain channel subfamily K member 4; plus strand), KCNK4-CATSPERZ (KCNK4-CATSPERZ readthrough (NMD candidate); plus strand). Cytogenetic location: 11q13.1.
Variant type: single nucleotide variant.
Coding change: c.1166A>G on transcript NM_033310.3 (MANE Select); coding-DNA position 1166, A replaced by G.
Protein change: p.Lys389Arg; replaces lysine 389 with arginine.
Molecular consequence: missense variant. On other transcripts: non-coding transcript variant (3).
Genome position (GRCh38, 1-based): chr11:64,299,710, A>G. VCF-style: chr11-64299710-A-G. GRCh37 (hg19) VCF-style: chr11-64067182-A-G.
Other names: c.1166A>G, p.Lys389Arg (NM_001317090.2); short protein forms K389R.
Identifiers: ClinVar variation 4795568 (VCV004795568.1).

ClinVar aggregate classification (germline): Uncertain significance (1 of 4 stars; one submission).

Submission:

GeneDx
Classification: Uncertain significance. Last evaluated: 2025-08-14. Review status: criteria provided, single submitter. Criteria: GeneDx Variant Classification Process June 2021. Collection method: clinical testing. Allele origin: germline. Affected: yes.
Comment: Not observed at significant frequency in large population cohorts (gnomAD); In silico analysis suggests that this missense variant does not alter protein structure/function; Has not been previously published as pathogenic or benign to our knowledge